The following is an entry in ClinVar:

NM_001903.5(CTNNA1):c.1724C>T (p.Ala575Val)

Gene: CTNNA1 (catenin alpha 1; plus strand). Cytogenetic location: 5q31.2.
Variant type: single nucleotide variant.
Coding change: c.1724C>T on transcript NM_001903.5 (MANE Select); coding-DNA position 1724, C replaced by T.
Protein change: p.Ala575Val; replaces alanine 575 with valine.
Molecular consequence: missense variant.
Genome position (GRCh38, 1-based): chr5:138,924,687, C>T. VCF-style: chr5-138924687-C-T. GRCh37 (hg19) VCF-style: chr5-138260376-C-T.
Other names: c.614C>T, p.Ala205Val (NM_001323998.1, NM_001323999.1, NM_001324000.1 and 17 more transcripts); c.275C>T, p.Ala92Val (NM_001324006.1, NM_001324007.1, NM_001324008.1 and 2 more transcripts); c.1724C>T, p.Ala575Val (NM_001290307.3, NM_001323982.2, NM_001323983.1 and 2 more transcripts); c.1415C>T, p.Ala472Val (NM_001290309.3); c.1355C>T, p.Ala452Val (NM_001290310.3); c.1631C>T, p.Ala544Val (NM_001323986.2); c.521C>T, p.Ala174Val (NM_001324011.1); c.371C>T, p.Ala124Val (NM_001324012.1, NM_001324013.1); short protein forms A544V, A205V, A92V, A124V, A452V, A472V, A174V, A575V.
Identifiers: ClinVar variation 2844612 (VCV002844612.3), dbSNP rs2533713708, ClinGen allele CA361132059.

ClinVar aggregate classification (germline): Uncertain significance (1 of 4 stars; one submission).

Submission:

Labcorp Genetics (formerly Invitae), Labcorp
Classification: Uncertain significance. Last evaluated: 2023-03-09. Review status: criteria provided, single submitter. Criteria: Invitae Variant Classification Sherloc (09022015). Collection method: clinical testing. Allele origin: germline.
Comment: This sequence change replaces alanine, which is neutral and non-polar, with valine, which is neutral and non-polar, at codon 575 of the CTNNA1 protein (p.Ala575Val). This variant is not present in population databases (gnomAD no frequency). This variant has not been reported in the literature in individuals affected with CTNNA1-related conditions. Advanced modeling of protein sequence and biophysical properties (such as structural, functional, and spatial information, amino acid conservation, physicochemical variation, residue mobility, and thermodynamic stability) performed at Invitae indicates that this missense variant is not expected to disrupt CTNNA1 protein function. In summary, the available evidence is currently insufficient to determine the role of this variant in disease. Therefore, it has been classified as a Variant of Uncertain Significance.